The following is an entry in ClinVar:

ClinVar aggregate classification (germline): Likely benign. Review status: criteria provided, multiple submitters, no conflicts (2 of 4 stars). 2 submissions from 2 submitters: Likely benign (2). Last evaluated 2024-11-21.

Allele frequency attached by ClinVar (database versions not stated): ExAC 0.00002; gnomAD 0.00001 and 0.00002; gnomAD exomes 0.00002 and 0.00001; ESP Exome Variant Server 0.00008; TOPMed 0.00003.
gnomAD v4.1: 25 of 1,613,868 alleles (0.0015%); highest among the groups gnomAD compares: Middle Eastern, 0.016%; no homozygotes.

Submissions (2):

Labcorp Genetics (formerly Invitae), Labcorp
Classification: Likely benign. Last evaluated: 2024-11-21. Review status: criteria provided, single submitter. Criteria: Invitae Variant Classification Sherloc (09022015). Collection method: clinical testing. Allele origin: germline.

GeneDx
Classification: Likely benign. Last evaluated: 2018-01-15. Review status: criteria provided, single submitter. Criteria: GeneDx Variant Classification (06012015). Collection method: clinical testing. Allele origin: germline. Affected: yes.
Comment: This variant is considered likely benign or benign based on one or more of the following criteria: it is a conservative change, it occurs at a poorly conserved position in the protein, it is predicted to be benign by multiple in silico algorithms, and/or has population frequency not consistent with disease.

NM_020247.5(COQ8A):c.1140C>T (p.Asn380=)

Gene: COQ8A (coenzyme Q8A; plus strand). Cytogenetic location: 1q42.13.
Variant type: single nucleotide variant.
Coding change: c.1140C>T on transcript NM_020247.5 (MANE Select); coding-DNA position 1140, C replaced by T.
Protein change: p.Asn380=; no amino-acid change (asparagine 380 retained).
Molecular consequence: synonymous variant.
Genome position (GRCh38, 1-based): chr1:226,983,611, C>T. VCF-style: chr1-226983611-C-T. GRCh37 (hg19) VCF-style: chr1-227171312-C-T.
Identifiers: ClinVar variation 514806 (VCV000514806.9), dbSNP rs367878969, ClinGen allele CA1425324.